The following is an entry in ClinVar:

ClinVar aggregate classification (germline): Uncertain significance (1 of 4 stars; one submission).

Conditions:
Generalized epilepsy-paroxysmal dyskinesia syndrome (PNKD3). Also called: Generalized epilepsy and paroxysmal dyskinesia; Paroxysmal nonkinesigenic dyskinesia, 3, with or without generalized epilepsy. Identifiers: Orphanet 79137, MedGen C5574945, MONDO:0012276, OMIM 609446.

Allele frequency attached by ClinVar (database versions not stated): gnomAD exomes 0.00001; ExAC 0.00002.
gnomAD v4.1: 10 of 1,605,378 alleles (0.00062%); highest among the groups gnomAD compares: East Asian, 0.0022%; no homozygotes.

Submission:

Labcorp Genetics (formerly Invitae), Labcorp
Classification: Uncertain significance for Generalized epilepsy-paroxysmal dyskinesia syndrome. Last evaluated: 2023-07-06. Review status: criteria provided, single submitter. Criteria: Invitae Variant Classification Sherloc (09022015). Collection method: clinical testing. Allele origin: germline.
Comment: An algorithm developed to predict the effect of missense changes on protein structure and function (PolyPhen-2) suggests that this variant is likely to be disruptive. This variant has not been reported in the literature in individuals affected with KCNMA1-related conditions. The frequency data for this variant in the population databases is considered unreliable, as metrics indicate poor data quality at this position in the gnomAD database. This sequence change replaces serine, which is neutral and polar, with phenylalanine, which is neutral and non-polar, at codon 54 of the KCNMA1 protein (p.Ser54Phe). In summary, the available evidence is currently insufficient to determine the role of this variant in disease. Therefore, it has been classified as a Variant of Uncertain Significance.

NM_001161352.2(KCNMA1):c.161C>T (p.Ser54Phe)

Gene: KCNMA1 (potassium calcium-activated channel subfamily M alpha 1; minus strand). Cytogenetic location: 10q22.3.
Variant type: single nucleotide variant.
Coding change: c.161C>T on transcript NM_001161352.2 (MANE Select); coding-DNA position 161, C replaced by T.
Protein change: p.Ser54Phe; replaces serine 54 with phenylalanine.
Molecular consequence: missense variant.
Genome position (GRCh38, 1-based): chr10:77,637,482, G>A on the plus strand (C>T on the coding strand, the complement: KCNMA1 is on the minus strand). VCF-style: chr10-77637482-G-A. GRCh37 (hg19) VCF-style: chr10-79397240-G-A.
Other names: c.161C>T, p.Ser54Phe (NM_001014797.3, NM_001161353.2, NM_001271518.2 and 13 more transcripts); short protein forms S54F.
Identifiers: ClinVar variation 3000190 (VCV003000190.3), dbSNP rs765445169, ClinGen allele CA5568794.